The following is an entry in ClinVar:

NM_002948.5(RPL15):c.505C>G (p.Arg169Gly)

Genes: NKIRAS1 (NFKB inhibitor interacting Ras like 1; minus strand), RPL15 (ribosomal protein L15; plus strand). Cytogenetic location: 3p24.2.
Variant type: single nucleotide variant.
Coding change: c.505C>G on transcript NM_002948.5 (MANE Select); coding-DNA position 505, C replaced by G.
Protein change: p.Arg169Gly; replaces arginine 169 with glycine.
Molecular consequence: missense variant. On other transcripts: intron variant (2).
Genome position (GRCh38, 1-based): chr3:23,919,391, C>G. VCF-style: chr3-23919391-C-G. GRCh37 (hg19) VCF-style: chr3-23960882-C-G.
Other names: c.505C>G, p.Arg169Gly (NM_001253379.2, NM_001253380.2, NM_001253382.2 and 1 more transcripts); c.-139-7941G>C (NM_001377380.1); c.360+145C>G (NM_001253384.2); short protein forms R169G.
Identifiers: ClinVar variation 2180348 (VCV002180348.3), dbSNP rs748116544, ClinGen allele CA351882555.

ClinVar aggregate classification (germline): Uncertain significance (1 of 4 stars; one submission).

Allele frequency attached by ClinVar (database versions not stated): TOPMed below 0.00001; gnomAD 0.00001.
gnomAD v4.1: 14 of 1,602,720 alleles (0.00087%); highest among the groups gnomAD compares: East Asian, 0.018%; no homozygotes.

Submission:

Labcorp Genetics (formerly Invitae), Labcorp
Classification: Uncertain significance. Last evaluated: 2022-02-22. Review status: criteria provided, single submitter. Criteria: Invitae Variant Classification Sherloc (09022015). Collection method: clinical testing. Allele origin: germline.
Comment: In summary, the available evidence is currently insufficient to determine the role of this variant in disease. Therefore, it has been classified as a Variant of Uncertain Significance. Algorithms developed to predict the effect of missense changes on protein structure and function are either unavailable or do not agree on the potential impact of this missense change (SIFT: "Deleterious"; PolyPhen-2: "Benign"; Align-GVGD: "Class C45"). This variant has not been reported in the literature in individuals affected with RPL15-related conditions. This variant is present in population databases (no rsID available, gnomAD 0.006%). This sequence change replaces arginine, which is basic and polar, with glycine, which is neutral and non-polar, at codon 169 of the RPL15 protein (p.Arg169Gly).